The following is an entry in ClinVar:

ClinVar aggregate classification (germline): Benign/Likely benign. Review status: criteria provided, multiple submitters, no conflicts (2 of 4 stars). 2 submissions from 2 submitters: Benign (1); Likely benign (1). Last evaluated 2025-02-06.

Conditions:
POLD1-related polyposis and colorectal cancer syndrome (CRCS10). Also called: Colorectal cancer, susceptibility to, 10; Colorectal cancer 10; COLORECTAL CANCER, SUSCEPTIBILITY TO, ON CHROMOSOME 19q. Identifiers: Orphanet 220460, MedGen C2675481, MONDO:0012953, OMIM 612591.

Submissions (2):

Myriad Genetics, Inc.
Classification: Benign for POLD1-related polyposis and colorectal cancer syndrome. Last evaluated: 2025-02-06. Review status: criteria provided, single submitter. Criteria: Myriad Autosomal Dominant, Autosomal Recessive and X-Linked Classification Criteria (2023). Collection method: clinical testing. Allele origin: unknown.
Comment: This variant is considered benign. This variant is a silent/synonymous amino acid change and it is not expected to impact splicing.

Labcorp Genetics (formerly Invitae), Labcorp
Classification: Likely benign for POLD1-related polyposis and colorectal cancer syndrome. Last evaluated: 2019-12-11. Review status: criteria provided, single submitter. Criteria: Invitae Variant Classification Sherloc (09022015). Collection method: clinical testing. Allele origin: germline.

NM_002691.4(POLD1):c.1444C>T (p.Leu482=)

Gene: POLD1 (DNA polymerase delta 1, catalytic subunit; plus strand). Cytogenetic location: 19q13.33.
Variant type: single nucleotide variant.
Coding change: c.1444C>T on transcript NM_002691.4 (MANE Select); coding-DNA position 1444, C replaced by T.
Protein change: p.Leu482=; no amino-acid change (leucine 482 retained).
Molecular consequence: synonymous variant. On other transcripts: non-coding transcript variant (1).
Genome position (GRCh38, 1-based): chr19:50,406,467, C>T. VCF-style: chr19-50406467-C-T. GRCh37 (hg19) VCF-style: chr19-50909724-C-T.
Other names: c.1444C>T, p.Leu482= (NM_001308632.1, NM_001256849.1).
Identifiers: ClinVar variation 1085273 (VCV001085273.10), dbSNP rs2122327315, ClinGen allele CA508304692.
Genomic context (GRCh38, chr19:50,406,467, plus strand): 5'-GTGCTGCTGCGGGAGTACAAGCTCCGCTCCTACACGCTCAATGCCGTGAGCTTCCACTTC[C>T]TGGGCGAGCAGAAGGAGGACGTGCAGCACAGCATCATCACCGACCTGCAGGTGCCTGCTG-3'
Protein context (NP_002682.2, residues 472-492): YTLNAVSFHF[Leu482=]GEQKEDVQHS